The following is an entry in ClinVar:

ClinVar aggregate classification (germline): Uncertain significance. Review status: criteria provided, multiple submitters, no conflicts (2 of 4 stars). 2 submissions from 2 submitters: Uncertain significance (2). Last evaluated 2025-01-29.

Conditions:
Inborn genetic diseases. Identifiers: MedGen C0950123, MeSH D030342.

Allele frequency attached by ClinVar (database versions not stated): gnomAD exomes 0.00001 and 0.00003; ExAC 0.00003; gnomAD 0.00004; TOPMed 0.00005; ESP Exome Variant Server 0.00017.
gnomAD v4.1: 15 of 1,543,684 alleles (0.00097%); highest among the groups gnomAD compares: African/African-American, 0.021%; no homozygotes.

Submissions (2):

Ambry Genetics
Classification: Uncertain significance for Inborn genetic diseases. Last evaluated: 2025-01-29. Review status: criteria provided, single submitter. Criteria: Ambry Variant Classification Scheme 2023. Collection method: clinical testing. Allele origin: germline.

Labcorp Genetics (formerly Invitae), Labcorp
Classification: Uncertain significance. Last evaluated: 2022-08-17. Review status: criteria provided, single submitter. Criteria: Invitae Variant Classification Sherloc (09022015). Collection method: clinical testing. Allele origin: germline.
Comment: This sequence change replaces leucine, which is neutral and non-polar, with valine, which is neutral and non-polar, at codon 81 of the CEP78 protein (p.Leu81Val). This variant is present in population databases (rs371076007, gnomAD 0.02%). This variant has not been reported in the literature in individuals affected with CEP78-related conditions. ClinVar contains an entry for this variant (Variation ID: 1021627). Algorithms developed to predict the effect of missense changes on protein structure and function (SIFT, PolyPhen-2, Align-GVGD) all suggest that this variant is likely to be tolerated. Algorithms developed to predict the effect of sequence changes on RNA splicing suggest that this variant may create or strengthen a splice site. In summary, the available evidence is currently insufficient to determine the role of this variant in disease. Therefore, it has been classified as a Variant of Uncertain Significance.

NM_001330691.3(CEP78):c.241C>G (p.Leu81Val)

Gene: CEP78 (centrosomal protein 78; plus strand). Cytogenetic location: 9q21.2.
Variant type: single nucleotide variant.
Coding change: c.241C>G on transcript NM_001330691.3 (MANE Select); coding-DNA position 241, C replaced by G.
Protein change: p.Leu81Val; replaces leucine 81 with valine.
Molecular consequence: missense variant.
Genome position (GRCh38, 1-based): chr9:78,236,591, C>G. VCF-style: chr9-78236591-C-G. GRCh37 (hg19) VCF-style: chr9-80851507-C-G.
Other names: c.241C>G, p.Leu81Val (NM_001098802.3, NM_001330693.3, NM_001330694.2 and 4 more transcripts); c.241C>G (NM_001098802.1); short protein forms L81V.
Identifiers: ClinVar variation 1021627 (VCV001021627.7), dbSNP rs371076007, ClinGen allele CA5094842.